The following is an entry in ClinVar:

NM_001394372.1(BICRA):c.4304T>G (p.Val1435Gly)

Gene: BICRA (BRD4 interacting chromatin remodeling complex associated protein; plus strand). Cytogenetic location: 19q13.33.
Variant type: single nucleotide variant.
Coding change: c.4304T>G on transcript NM_001394372.1 (MANE Select); coding-DNA position 4304, T replaced by G.
Protein change: p.Val1435Gly; replaces valine 1435 with glycine.
Molecular consequence: missense variant.
Genome position (GRCh38, 1-based): chr19:47,702,036, T>G. VCF-style: chr19-47702036-T-G. GRCh37 (hg19) VCF-style: chr19-48205293-T-G.
Other names: c.4304T>G, p.Val1435Gly (NM_015711.3); short protein forms V1435G.
Identifiers: ClinVar variation 2577119 (VCV002577119.5), dbSNP rs1973464817, ClinGen allele CA406615745.

ClinVar aggregate classification (germline): Uncertain significance. Review status: criteria provided, multiple submitters, no conflicts (2 of 4 stars). 3 submissions from 3 submitters: Uncertain significance (2). 1 of the submissions does not count toward it. Last evaluated 2026-05-14.

Conditions:
BICRA-related disorder. Also called: BICRA-related condition.

Allele frequency attached by ClinVar (database versions not stated): gnomAD exomes 0.00001; gnomAD 0.00002; TOPMed 0.00004.
gnomAD v4.1: 6 of 1,491,794 alleles (0.0004%); highest among the groups gnomAD compares: Admixed American, 0.012%; no homozygotes.

Submissions (3):

Women's Health and Genetics/Laboratory Corporation of America, LabCorp
Classification: Uncertain significance. Last evaluated: 2026-05-14. Review status: criteria provided, single submitter. Criteria: LabCorp Variant Classification Summary - May 2015. Collection method: clinical testing. Allele origin: germline.
Comment: Variant summary: BICRA c.4304T>G (p.Val1435Gly) results in a non-conservative amino acid change in the encoded protein sequence. Algorithms developed to predict the effect of missense changes on protein structure and function are either unavailable or do not agree on the potential impact of this missense change. The variant was absent in 88112 control chromosomes. The available data on variant occurrences in the general population are insufficient to allow any conclusion about variant significance. c.4304T>G has been reported in the literature in an individuals affected with an unspecified neurodevelopmental disorder (e.g. Valencia_2023). This report does not provide unequivocal conclusions about association of the variant with Coffin-Siris Syndrome 12. To our knowledge, no experimental evidence demonstrating an impact on protein function has been reported. The following publication have been ascertained in the context of this evaluation (PMID: 37500730). ClinVar contains an entry for this variant (Variation ID: 2577119). Based on the evidence outlined above, the variant was classified as uncertain significance.

Ambry Genetics
Classification: Uncertain significance. Last evaluated: 2024-08-19. Review status: criteria provided, single submitter. Criteria: Ambry Variant Classification Scheme 2023. Collection method: clinical testing. Allele origin: germline.

PreventionGenetics, part of Exact Sciences
Classification: Uncertain significance for BICRA-related condition. Last evaluated: 2024-04-04. Review status: no assertion criteria provided. Collection method: clinical testing. Allele origin: germline. Not counted in ClinVar's aggregate classification.
Comment: The BICRA c.4304T>G variant is predicted to result in the amino acid substitution p.Val1435Gly. To our knowledge, this variant has not been reported in the literature or in a large population database, indicating this variant is rare. At this time, the clinical significance of this variant is uncertain due to the absence of conclusive functional and genetic evidence.

Literature cited by the submitters: PubMed 37500730 (cited by Women's Health and Genetics/Laboratory Corporation of America, LabCorp).